The following is an entry in ClinVar:

NM_144992.5(VWA3B):c.3291T>C (p.Asp1097=)

Gene: VWA3B (von Willebrand factor A domain containing 3B; plus strand). Cytogenetic location: 2q11.2.
Variant type: single nucleotide variant.
Coding change: c.3291T>C on transcript NM_144992.5 (MANE Select); coding-DNA position 3291, T replaced by C.
Protein change: p.Asp1097=; no amino-acid change (aspartic acid 1097 retained).
Molecular consequence: synonymous variant. On other transcripts: non-coding transcript variant (1).
Genome position (GRCh38, 1-based): chr2:98,300,087, T>C. VCF-style: chr2-98300087-T-C. GRCh37 (hg19) VCF-style: chr2-98916550-T-C.
Other names: c.2262T>C, p.Asp754= (NM_001345864.2).
Identifiers: ClinVar variation 777367 (VCV000777367.7), dbSNP rs191920762, ClinGen allele CA1793277.

ClinVar aggregate classification (germline): Benign. Review status: criteria provided, multiple submitters, no conflicts (2 of 4 stars). 3 submissions from 3 submitters: Benign (2). 1 of the submissions does not count toward it. Last evaluated 2019-12-31.

Conditions:
VWA3B-related disorder. Also called: VWA3B-related condition.

Allele frequency attached by ClinVar (database versions not stated): TOPMed 0.00329; ESP Exome Variant Server 0.00334; gnomAD 0.00343 and 0.00431; gnomAD exomes 0.00674; ExAC 0.00725; 1000 Genomes Project 0.00759; 1000 Genomes Project 30x 0.00765.
gnomAD v4.1: 9,176 of 1,614,194 alleles (0.57%); highest among the groups gnomAD compares: South Asian, 2.9%; 86 homozygotes.

Submissions (3):

Labcorp Genetics (formerly Invitae), Labcorp
Classification: Benign. Last evaluated: 2019-12-31. Review status: criteria provided, single submitter. Criteria: Invitae Variant Classification Sherloc (09022015). Collection method: clinical testing. Allele origin: germline.

Breakthrough Genomics
Classification: Benign. Review status: criteria provided, single submitter. Criteria: ACMG Guidelines, 2015. Collection method: not provided. Allele origin: germline. Inheritance: Autosomal recessive inheritance. Affected: yes.

PreventionGenetics, part of Exact Sciences
Classification: Benign for VWA3B-related condition. Last evaluated: 2019-04-22. Review status: no assertion criteria provided. Collection method: clinical testing. Allele origin: germline. Not counted in ClinVar's aggregate classification.
Comment: This variant is classified as benign based on ACMG/AMP sequence variant interpretation guidelines (Richards et al. 2015 PMID: 25741868, with internal and published modifications).